The following is an entry in ClinVar:

ClinVar aggregate classification (germline): Likely benign (1 of 4 stars; one submission).

Allele frequency attached by ClinVar (database versions not stated): gnomAD 0.00007; gnomAD exomes 0.00007; ESP Exome Variant Server 0.00008; ExAC 0.00009; TOPMed 0.00010.
gnomAD v4.1: 125 of 1,613,572 alleles (0.0077%); highest among the groups gnomAD compares: Middle Eastern, 0.033%; 1 homozygote.

Submission:

CeGaT Center for Human Genetics Tuebingen
Classification: Likely benign. Last evaluated: 2022-06-01. Review status: criteria provided, single submitter. Criteria: CeGaT Center For Human Genetics Tuebingen Variant Classification Criteria Version 2. Collection method: clinical testing. Allele origin: germline. Affected: yes. Observed: 1 variant allele.
Comment: TSR3: BP4, BP7

NM_001001410.3(TSR3):c.897G>A (p.Pro299=)

Gene: TSR3 (TSR3 ribosome maturation factor; minus strand). Cytogenetic location: 16p13.3.
Variant type: single nucleotide variant.
Coding change: c.897G>A on transcript NM_001001410.3 (MANE Select); coding-DNA position 897, G replaced by A.
Protein change: p.Pro299=; no amino-acid change (proline 299 retained).
Molecular consequence: synonymous variant.
Genome position (GRCh38, 1-based): chr16:1,349,479, C>T on the plus strand (G>A on the coding strand, the complement: TSR3 is on the minus strand). VCF-style: chr16-1349479-C-T. GRCh37 (hg19) VCF-style: chr16-1399480-C-T.
Identifiers: ClinVar variation 2645896 (VCV002645896.24), dbSNP rs201659974, ClinGen allele CA7807085.